The following is an entry in ClinVar:

NM_000380.4(XPA):c.140_149del (p.Pro47fs)

Gene: XPA (XPA, DNA damage recognition and repair factor; minus strand). Cytogenetic location: 9q22.33.
Variant type: Deletion.
Coding change: c.140_149del on transcript NM_000380.4 (MANE Select); coding-DNA positions 140 to 149, 10 bases deleted (CCTACTCGGC; older notation c.140_149delCCTACTCGGC).
Protein change: p.Pro47fs; shifts the reading frame from proline 47.
Molecular consequence: frameshift variant. On other transcripts: 5 prime UTR variant (1), non-coding transcript variant (5).
Genome position (GRCh38, 1-based): chr9:97,697,144-97,697,153, GCCGAGTAGG deleted on the plus strand (CCTACTCGGC on the coding strand, the reverse complement: XPA is on the minus strand); deleting any 10 consecutive bases within chr9:97,697,144-97,697,157 gives the same sequence; the c. name uses the placement nearest the transcript's 3' end. VCF-style (leftmost placement, unchanged base first): chr9-97697143-CGCCGAGTAGG-C. GRCh37 (hg19) VCF-style: chr9-100459425-CGCCGAGTAGG-C.
Other names: c.-1010_-1001del (NM_001354975.2); short protein forms P47fs.
Identifiers: ClinVar variation 2751195 (VCV002751195.3), dbSNP rs2490246360, ClinGen allele CA2697557943.

ClinVar aggregate classification (germline): Pathogenic (1 of 4 stars; one submission).

Submission:

Labcorp Genetics (formerly Invitae), Labcorp
Classification: Pathogenic. Last evaluated: 2023-08-08. Review status: criteria provided, single submitter. Criteria: Invitae Variant Classification Sherloc (09022015). Collection method: clinical testing. Allele origin: germline.
Comment: For these reasons, this variant has been classified as Pathogenic. This variant has not been reported in the literature in individuals affected with XPA-related conditions. This variant is not present in population databases (gnomAD no frequency). This sequence change creates a premature translational stop signal (p.Pro47Argfs*13) in the XPA gene. It is expected to result in an absent or disrupted protein product. Loss-of-function variants in XPA are known to be pathogenic (PMID: 27607234).

Literature cited by the submitters: PubMed 27607234.